The following is an entry in ClinVar:

NM_000157.4(GBA1):c.1142G>A (p.Cys381Tyr)

Genes: GBA1 (glucosylceramidase beta 1; minus strand), LOC106627981 (GBA recombination region; plus strand). Cytogenetic location: 1q22.
Variant type: single nucleotide variant.
Coding change: c.1142G>A on transcript NM_000157.4 (MANE Select); coding-DNA position 1142, G replaced by A.
Protein change: p.Cys381Tyr; replaces cysteine 381 with tyrosine.
Molecular consequence: missense variant.
Genome position (GRCh38, 1-based): chr1:155,236,327, C>T on the plus strand (G>A on the coding strand, the complement: GBA1 is on the minus strand). VCF-style: chr1-155236327-C-T. GRCh37 (hg19) VCF-style: chr1-155206118-C-T.
Other names: c.1142G>A, p.Cys381Tyr (NM_001005741.3, NM_001005742.3); c.881G>A, p.Cys294Tyr (NM_001171811.2); c.995G>A, p.Cys332Tyr (NM_001171812.2); short protein forms C294Y, C332Y, C381Y.
Identifiers: ClinVar variation 4817677 (VCV004817677.1).

ClinVar aggregate classification (germline): Pathogenic (1 of 4 stars; one submission).

Conditions:
Gaucher disease. Also called: Acute cerebral Gaucher disease; Cerebroside lipidosis syndrome; Gaucher splenomegaly; Sphingolipidosis 1; Glucocerebrosidosis; Glucosylceramidase deficiency. Identifiers: Orphanet 355, MedGen C0017205, MONDO:0018150.

Submission:

Natera, Inc.
Classification: Pathogenic for Gaucher disease. Last evaluated: 2025-10-10. Review status: criteria provided, single submitter. Criteria: Natera Variant Classification Schema (03/2026). Collection method: clinical testing. Allele origin: germline.
Comment: The c.1142G>A variant in GBA1 is a missense variant predicted to cause substitution of cysteine to tyrosine at amino acid 381. This variant is rare in the general population with a frequency below the threshold expected for the associated phenotype(s). This variant has been observed in one or more individuals affected with the associated recessive disease, as either homozygous or compound heterozygous with a second variant (PMID: 24920659, 33606887). Functional studies show that this variant may disrupt protein function (PMID: 20978939, 29023809, 36720445). A different variant at the same position has been determined to be Pathogenic or Likely Pathogenic. Computational prediction algorithms indicate this variant is likely to affect gene or protein function. Given the available evidence, this variant is classified as Pathogenic.

Literature cited by the submitters: PubMed 24920659; PubMed 33606887; PubMed 20978939; PubMed 29023809; PubMed 36720445.